The following is an entry in ClinVar:

NM_001206927.2(DNAH8):c.12280G>A (p.Ala4094Thr)

Genes: DNAH8 (dynein axonemal heavy chain 8; plus strand), DNAH8-AS1 (DNAH8 antisense RNA 1; minus strand). Cytogenetic location: 6p21.2.
Variant type: single nucleotide variant.
Coding change: c.12280G>A on transcript NM_001206927.2 (MANE Select); coding-DNA position 12280, G replaced by A.
Protein change: p.Ala4094Thr; replaces alanine 4094 with threonine.
Molecular consequence: missense variant.
Genome position (GRCh38, 1-based): chr6:38,951,349, G>A. VCF-style: chr6-38951349-G-A. GRCh37 (hg19) VCF-style: chr6-38919125-G-A.
Other names: c.11629G>A, p.Ala3877Thr (NM_001371.4); short protein forms A4094T, A3877T.
Identifiers: ClinVar variation 939058 (VCV000939058.11), dbSNP rs1340806081, ClinGen allele CA363996655.
Genomic context (GRCh38, chr6:38,951,349, plus strand): 5'-TATTTCGCCTAACTTGTATTCATTTTTAGGTCTTGGTGCCCAGACCGTACTGTTTTTCAA[G>A]CAAGAAAGTATATTGCAGATTCTTTGGAGGAGAAGTACACAGAACCAGTTATCTTAAATC-3'
Protein context (NP_001193856.1, residues 4084-4104): SWCPDRTVFQ[Ala4094Thr]RKYIADSLEE

ClinVar aggregate classification (germline): Uncertain significance. Review status: criteria provided, multiple submitters, no conflicts (2 of 4 stars). 2 submissions from 2 submitters: Uncertain significance (2). Last evaluated 2024-02-27.

Conditions:
Primary ciliary dyskinesia. Also called: Ciliary dyskinesia. Identifiers: Orphanet 244, MedGen C0008780, MONDO:0016575, HP:0012265.

Allele frequency attached by ClinVar (database versions not stated): gnomAD exomes 0.00001; TOPMed 0.00002.
gnomAD v4.1: 4 of 1,614,156 alleles (0.00025%); highest among the groups gnomAD compares: Admixed American, 0.0067%; no homozygotes.

Submissions (2):

Ambry Genetics
Classification: Uncertain significance. Last evaluated: 2024-02-27. Review status: criteria provided, single submitter. Criteria: Ambry Variant Classification Scheme 2023. Collection method: clinical testing. Allele origin: germline.

Labcorp Genetics (formerly Invitae), Labcorp
Classification: Uncertain significance for Primary ciliary dyskinesia. Last evaluated: 2024-01-22. Review status: criteria provided, single submitter. Criteria: Invitae Variant Classification Sherloc (09022015). Collection method: clinical testing. Allele origin: germline.
Comment: This sequence change replaces alanine, which is neutral and non-polar, with threonine, which is neutral and polar, at codon 4094 of the DNAH8 protein (p.Ala4094Thr). This variant is present in population databases (no rsID available, gnomAD 0.006%). This variant has not been reported in the literature in individuals affected with DNAH8-related conditions. ClinVar contains an entry for this variant (Variation ID: 939058). Advanced modeling of protein sequence and biophysical properties (such as structural, functional, and spatial information, amino acid conservation, physicochemical variation, residue mobility, and thermodynamic stability) performed at Invitae indicates that this missense variant is not expected to disrupt DNAH8 protein function with a negative predictive value of 80%. In summary, the available evidence is currently insufficient to determine the role of this variant in disease. Therefore, it has been classified as a Variant of Uncertain Significance.